The following is an entry in ClinVar:

NM_001375524.1(TRRAP):c.8976G>C (p.Leu2992Phe)

Gene: TRRAP (transformation/transcription domain associated protein; plus strand). Cytogenetic location: 7q22.1.
Variant type: single nucleotide variant.
Coding change: c.8976G>C on transcript NM_001375524.1 (MANE Select); coding-DNA position 8976, G replaced by C.
Protein change: p.Leu2992Phe; replaces leucine 2992 with phenylalanine.
Molecular consequence: missense variant.
Genome position (GRCh38, 1-based): chr7:98,983,413, G>C. VCF-style: chr7-98983413-G-C. GRCh37 (hg19) VCF-style: chr7-98581036-G-C.
Other names: c.8955G>C, p.Leu2985Phe (NM_001244580.2); c.8901G>C, p.Leu2967Phe (NM_003496.4); short protein forms L2967F, L2985F, L2992F.
Identifiers: ClinVar variation 2630423 (VCV002630423.1), dbSNP rs747854999, ClinGen allele CA368314041.

ClinVar aggregate classification (germline): Uncertain significance (1 of 4 stars; one submission).

Conditions:
TRRAP-related disorder. Also called: TRRAP-related condition.

Allele frequency attached by ClinVar (database versions not stated): gnomAD 0.00001.
gnomAD v4.1: 1 of 1,614,068 alleles (0.000062%); highest among the groups gnomAD compares: African/African-American, 0.0013%; no homozygotes.

Submission:

PreventionGenetics, part of Exact Sciences
Classification: Uncertain significance for TRRAP-related condition. Last evaluated: 2023-03-07. Review status: criteria provided, single submitter. Criteria: ACMG Guidelines, 2015. Collection method: clinical testing. Allele origin: germline.
Comment: The TRRAP c.8901G>C variant is predicted to result in the amino acid substitution p.Leu2967Phe. To our knowledge, this variant has not been reported in the literature or in a large population database, indicating this variant is rare. At this time, the clinical significance of this variant is uncertain due to the absence of conclusive functional and genetic evidence.